The following is an entry in ClinVar:

NC_000007.13:g.(?_157151267)_(157160197_?)dup

Gene: DNAJB6 (DnaJ heat shock protein family (Hsp40) member B6; plus strand). Cytogenetic location: 7q36.3.
Variant type: Duplication.
Identifiers: ClinVar variation 1450199 (VCV001450199.7).

ClinVar aggregate classification (germline): Uncertain significance (1 of 4 stars; one submission).

Conditions:
Autosomal dominant limb-girdle muscular dystrophy type 1D (DNAJB6) (LGMDD1). Also called: MUSCULAR DYSTROPHY, LIMB-GIRDLE, TYPE 1D; Autosomal dominant limb-girdle muscular dystrophy type 1D; Muscular dystrophy, limb-girdle, autosomal dominant 1; MUSCULAR DYSTROPHY, AUTOSOMAL DOMINANT, WITH RIMMED VACUOLES. Identifiers: Orphanet 34516, MedGen C4721885, MONDO:0021018, OMIM 603511.

Submission:

Labcorp Genetics (formerly Invitae), Labcorp
Classification: Uncertain significance for Autosomal dominant limb-girdle muscular dystrophy type 1D (DNAJB6). Last evaluated: 2022-09-30. Review status: criteria provided, single submitter. Criteria: Invitae Variant Classification Sherloc (09022015). Collection method: clinical testing. Allele origin: germline.
Comment: In summary, the available evidence is currently insufficient to determine the role of this variant in disease. Therefore, it has been classified as a Variant of Uncertain Significance. A similar copy number variant has been observed in at least one individual who was not affected with DNAJB6-related conditions (Invitae). This variant has not been reported in the literature in individuals affected with DNAJB6-related conditions. This variant results in a copy number gain of the genomic region encompassing exon(s) 2-5 of the DNAJB6 gene. This region includes the initiator codon of the gene. This copy number gain extends beyond the assayed region for this gene and therefore may encompass additional genes. As the precise location of this event is unknown, it may be in tandem or it may be located elsewhere in the genome.